The following is an entry in ClinVar:

NM_016169.4(SUFU):c.1022+6T>C

Gene: SUFU (SUFU negative regulator of hedgehog signaling; plus strand). Cytogenetic location: 10q24.32.
Variant type: single nucleotide variant.
Coding change: c.1022+6T>C on transcript NM_016169.4 (MANE Select); 6 bases into the intron after coding-DNA position 1022, T replaced by C.
Molecular consequence: intron variant.
Genome position (GRCh38, 1-based): chr10:102,599,550, T>C. VCF-style: chr10-102599550-T-C. GRCh37 (hg19) VCF-style: chr10-104359307-T-C.
Other names: c.1022+6T>C (NM_001178133.2).
Identifiers: ClinVar variation 970793 (VCV000970793.10), dbSNP rs1216584462, ClinGen allele CA595213362.

ClinVar aggregate classification (germline): Uncertain significance (1 of 4 stars; one submission).

Conditions:
Medulloblastoma (MDB). Also called: Medulloblastoma, somatic; MEDULLOBLASTOMA PREDISPOSITION SYNDROME. Identifiers: Orphanet 616, MedGen C0025149, MeSH D008527, MONDO:0007959, OMIM 155255, HP:0002885.
Gorlin syndrome. Also called: Nevoid Basal Cell Carcinoma Syndrome; Basal cell nevus syndrome. Identifiers: Orphanet 377, MedGen C0004779, MONDO:0007187.

Allele frequency attached by ClinVar (database versions not stated): TOPMed below 0.00001; gnomAD 0.00001.
gnomAD v4.1: 1 of 1,612,904 alleles (0.000062%); highest among the groups gnomAD compares: Non-Finnish European, 0.000085%; no homozygotes.

Submission:

Labcorp Genetics (formerly Invitae), Labcorp
Classification: Uncertain significance for Gorlin syndrome; Medulloblastoma. Last evaluated: 2022-05-14. Review status: criteria provided, single submitter. Criteria: Invitae Variant Classification Sherloc (09022015). Collection method: clinical testing. Allele origin: germline.
Comment: In summary, the available evidence is currently insufficient to determine the role of this variant in disease. Therefore, it has been classified as a Variant of Uncertain Significance. Variants that disrupt the consensus splice site are a relatively common cause of aberrant splicing (PMID: 17576681, 9536098). Algorithms developed to predict the effect of sequence changes on RNA splicing suggest that this variant may disrupt the consensus splice site. ClinVar contains an entry for this variant (Variation ID: 970793). This variant has not been reported in the literature in individuals affected with SUFU-related conditions. This variant is present in population databases (no rsID available, gnomAD 0.007%). This sequence change falls in intron 8 of the SUFU gene. It does not directly change the encoded amino acid sequence of the SUFU protein. It affects a nucleotide within the consensus splice site.

Literature cited by the submitters: PubMed 17576681; PubMed 9536098.